The following is an entry in ClinVar:

NM_001375567.1(FOCAD):c.4729-15_4729-5dup

Gene: FOCAD (focadhesin; plus strand). Cytogenetic location: 9p21.3.
Variant type: Duplication.
Coding change: c.4729-15_4729-5dup on transcript NM_001375567.1 (MANE Select); 15 bases into the intron before coding-DNA position 4729 through 5 bases into the intron before coding-DNA position 4729, 11 bases duplicated (TTTTTTTTTTT).
Molecular consequence: intron variant.
Genome position (GRCh38, 1-based): chr9:20,986,273-20,986,283, TTTTTTTTTTT duplicated; duplicating any 11 consecutive bases within chr9:20,986,267-20,986,283 gives the same sequence; the c. name uses the placement nearest the transcript's 3' end. VCF-style (leftmost placement, unchanged base first): chr9-20986266-A-ATTTTTTTTTTT. GRCh37 (hg19) VCF-style: chr9-20986265-A-ATTTTTTTTTTT.
Other names: c.4729-15_4729-5dup (NM_017794.5); c.4624-15_4624-5dup (NM_001375568.1, NM_001375570.1).
Identifiers: ClinVar variation 3041806 (VCV003041806.2), dbSNP rs545976303, ClinGen allele CA862073104.

ClinVar aggregate classification (germline): Likely benign (0 of 4 stars; one submission).

Conditions:
FOCAD-related disorder. Also called: FOCAD-related condition.

Submission:

PreventionGenetics, part of Exact Sciences
Classification: Likely benign for FOCAD-related condition. Last evaluated: 2023-12-27. Review status: no assertion criteria provided. Collection method: clinical testing. Allele origin: germline.
Comment: This variant is classified as likely benign based on ACMG/AMP sequence variant interpretation guidelines (Richards et al. 2015 PMID: 25741868, with internal and published modifications).